The following is an entry in ClinVar:

NM_022168.4(IFIH1):c.217C>T (p.Leu73Phe)

Gene: IFIH1 (interferon induced with helicase C domain 1; minus strand). Cytogenetic location: 2q24.2.
Variant type: single nucleotide variant.
Coding change: c.217C>T on transcript NM_022168.4 (MANE Select); coding-DNA position 217, C replaced by T.
Protein change: p.Leu73Phe; replaces leucine 73 with phenylalanine.
Molecular consequence: missense variant.
Genome position (GRCh38, 1-based): chr2:162,318,091, G>A on the plus strand (C>T on the coding strand, the complement: IFIH1 is on the minus strand). VCF-style: chr2-162318091-G-A. GRCh37 (hg19) VCF-style: chr2-163174601-G-A.
Other names: p.Leu73Phe; short protein forms L73F.
Identifiers: ClinVar variation 859413 (VCV000859413.12), dbSNP rs1307616619, ClinGen allele CA349013834.

ClinVar aggregate classification (germline): Uncertain significance. Review status: criteria provided, multiple submitters, no conflicts (2 of 4 stars). 3 submissions from 3 submitters: Uncertain significance (3). Last evaluated 2025-11-16.

Conditions:
Singleton-Merten syndrome 1 (SGMRT1). Also called: Widened medullary cavities of bone, aortic calcification, abnormal dentition, and muscular weakness; Syndrome of widened medullary cavities of the metacarpals and phalanges, aortic calcification and abnormal dentition. Identifiers: Orphanet 85191, MedGen C4225427, MONDO:0024535, OMIM 182250.
Aicardi-Goutieres syndrome 7 (AGS7). Identifiers: Orphanet 51, MedGen C3888244, MONDO:0014367, OMIM 615846.

Allele frequency attached by ClinVar (database versions not stated): gnomAD exomes below 0.00001 and 0.00002; gnomAD 0.00001; TOPMed 0.00001.
gnomAD v4.1: 25 of 1,614,060 alleles (0.0015%); highest among the groups gnomAD compares: Non-Finnish European, 0.0021%; no homozygotes.

Submissions (3):

Labcorp Genetics (formerly Invitae), Labcorp
Classification: Uncertain significance for Aicardi-Goutieres syndrome 7; Singleton-Merten syndrome 1. Last evaluated: 2025-11-16. Review status: criteria provided, single submitter. Criteria: Invitae Variant Classification Sherloc (09022015). Collection method: clinical testing. Allele origin: germline.
Comment: This sequence change replaces leucine, which is neutral and non-polar, with phenylalanine, which is neutral and non-polar, at codon 73 of the IFIH1 protein (p.Leu73Phe). This variant is present in population databases (no rsID available, gnomAD 0.0009%). This variant has not been reported in the literature in individuals affected with IFIH1-related conditions. ClinVar contains an entry for this variant (Variation ID: 859413). Invitae Evidence Modeling of protein sequence and biophysical properties (such as structural, functional, and spatial information, amino acid conservation, physicochemical variation, residue mobility, and thermodynamic stability) has been performed for this missense variant. However, the output from this modeling did not meet the statistical confidence thresholds required to predict the impact of this variant on IFIH1 protein function. In summary, the available evidence is currently insufficient to determine the role of this variant in disease. Therefore, it has been classified as a Variant of Uncertain Significance.

GeneDx
Classification: Uncertain significance. Last evaluated: 2024-02-29. Review status: criteria provided, single submitter. Criteria: GeneDx Variant Classification Process June 2021. Collection method: clinical testing. Allele origin: germline. Affected: yes.
Comment: Not observed at significant frequency in large population cohorts (gnomAD); In silico analysis supports that this missense variant does not alter protein structure/function; Has not been previously published as pathogenic or benign to our knowledge

Mayo Clinic Laboratories, Mayo Clinic
Classification: Uncertain significance. Last evaluated: 2023-10-02. Review status: criteria provided, single submitter. Criteria: ACMG Guidelines, 2015. Collection method: clinical testing. Allele origin: germline. Observed: 1 variant allele.
Comment: BP4